The following is an entry in ClinVar:

NM_001164508.2(NEB):c.4066del (p.Val1356fs)

Gene: NEB (nebulin; minus strand). Cytogenetic location: 2q23.3.
Variant type: Deletion.
Coding change: c.4066del on transcript NM_001164508.2 (MANE Select); coding-DNA position 4066, one base deleted (G; older notation c.4066delG).
Protein change: p.Val1356fs; shifts the reading frame from valine 1356.
Molecular consequence: frameshift variant.
Genome position (GRCh38, 1-based): chr2:151,672,602, C deleted on the plus strand (G on the coding strand, the reverse complement: NEB is on the minus strand); the first of 2 consecutive C bases (chr2:151,672,602-151,672,603); deleting either gives the same sequence. VCF-style (leftmost placement, unchanged base first): chr2-151672601-AC-A. GRCh37 (hg19) VCF-style: chr2-152529115-AC-A.
Other names: c.4066del, p.Val1356fs (NM_001164507.2, NM_001271208.2, NM_004543.5); short protein forms V1356fs.
Identifiers: ClinVar variation 1724193 (VCV001724193.2), dbSNP rs2552260667, ClinGen allele CA2580064124.

ClinVar aggregate classification (germline): Likely pathogenic (1 of 4 stars; one submission).

Conditions:
Nemaline myopathy 2 (NEM2). Also called: Nemaline myopathy 2, autosomal recessive. Identifiers: MedGen C1850569, MONDO:0009725, OMIM 256030.

Submission:

Myriad Genetics, Inc.
Classification: Likely pathogenic for Nemaline myopathy 2. Last evaluated: 2022-02-01. Review status: criteria provided, single submitter. Criteria: Myriad Women's Health Autosomal Recessive and X-Linked Classification Criteria (2021). Collection method: clinical testing. Allele origin: unknown.
Comment: NM_001271208.1(NEB):c.4066delG(V1356Sfs*4) is expected to be pathogenic in the context of NEB-related nemaline myopathy. This variant is predicted to lead to an abnormal or absent protein product due to the creation of a premature termination codon in NEB, a gene where loss-of-function variants are known to be pathogenic. Please note: this variant was assessed in the context of healthy population screening.